The following is an entry in ClinVar:

ClinVar aggregate classification (germline): Uncertain significance. Review status: criteria provided, multiple submitters, no conflicts (2 of 4 stars). 2 submissions from 2 submitters: Uncertain significance (2). Last evaluated 2025-02-13.

Allele frequency attached by ClinVar (database versions not stated): gnomAD exomes below 0.00001; gnomAD 0.00001; 1000 Genomes Project 30x 0.00016; 1000 Genomes Project 0.00020.
gnomAD v4.1: 3 of 1,613,756 alleles (0.00019%); highest among the groups gnomAD compares: African/African-American, 0.004%; no homozygotes.

Submissions (2):

Ambry Genetics
Classification: Uncertain significance. Last evaluated: 2025-02-13. Review status: criteria provided, single submitter. Criteria: Ambry Variant Classification Scheme 2023. Collection method: clinical testing. Allele origin: germline.
Comment: The p.A607T variant (also known as c.1819G>A), located in coding exon 18 of the SRP72 gene, results from a G to A substitution at nucleotide position 1819. The alanine at codon 607 is replaced by threonine, an amino acid with similar properties. This amino acid position is conserved. In addition, this alteration is predicted to be tolerated by in silico analysis. Based on the available evidence, the clinical significance of this variant remains unclear.

Labcorp Genetics (formerly Invitae), Labcorp
Classification: Uncertain significance. Last evaluated: 2022-08-05. Review status: criteria provided, single submitter. Criteria: Invitae Variant Classification Sherloc (09022015). Collection method: clinical testing. Allele origin: germline.
Comment: In summary, the available evidence is currently insufficient to determine the role of this variant in disease. Therefore, it has been classified as a Variant of Uncertain Significance. Algorithms developed to predict the effect of missense changes on protein structure and function (SIFT, PolyPhen-2, Align-GVGD) all suggest that this variant is likely to be tolerated. This variant has not been reported in the literature in individuals affected with SRP72-related conditions. This variant is not present in population databases (gnomAD no frequency). This sequence change replaces alanine, which is neutral and non-polar, with threonine, which is neutral and polar, at codon 607 of the SRP72 protein (p.Ala607Thr).

NM_006947.4(SRP72):c.1819G>A (p.Ala607Thr)

Gene: SRP72 (signal recognition particle 72; plus strand). Cytogenetic location: 4q12.
Variant type: single nucleotide variant.
Coding change: c.1819G>A on transcript NM_006947.4 (MANE Select); coding-DNA position 1819, G replaced by A.
Protein change: p.Ala607Thr; replaces alanine 607 with threonine.
Molecular consequence: missense variant. On other transcripts: non-coding transcript variant (1).
Genome position (GRCh38, 1-based): chr4:56,500,676, G>A. VCF-style: chr4-56500676-G-A. GRCh37 (hg19) VCF-style: chr4-57366842-G-A.
Other names: c.1819G>A (NM_006947.3); c.1636G>A, p.Ala546Thr (NM_001267722.2); short protein forms A607T, A546T.
Identifiers: ClinVar variation 1951613 (VCV001951613.6), dbSNP rs200703570, ClinGen allele CA97617142.